The following is an entry in ClinVar:

ClinVar aggregate classification (germline): Uncertain significance (1 of 4 stars; one submission).

Allele frequency attached by ClinVar (database versions not stated): gnomAD exomes below 0.00001.
gnomAD v4.1: 1 of 1,613,916 alleles (0.000062%); highest among the groups gnomAD compares: East Asian, 0.0022%; no homozygotes.

Submission:

Greenwood Genetic Center Diagnostic Laboratories, Greenwood Genetic Center
Classification: Uncertain significance. Last evaluated: 2021-07-08. Review status: criteria provided, single submitter. Criteria: ACMG Guidelines, 2015. Collection method: clinical testing. Allele origin: germline. Affected: yes.
Comment: PP3, PM2

NM_001162501.2(TNRC6B):c.659G>A (p.Ser220Asn)

Gene: TNRC6B (trinucleotide repeat containing adaptor 6B; plus strand). Cytogenetic location: 22q13.1.
Variant type: single nucleotide variant.
Coding change: c.659G>A on transcript NM_001162501.2 (MANE Select); coding-DNA position 659, G replaced by A.
Protein change: p.Ser220Asn; replaces serine 220 with asparagine.
Molecular consequence: missense variant. On other transcripts: intron variant (1).
Genome position (GRCh38, 1-based): chr22:40,264,889, G>A. VCF-style: chr22-40264889-G-A. GRCh37 (hg19) VCF-style: chr22-40660893-G-A.
Other names: c.659G>A, p.Ser220Asn (NM_015088.3); c.565+2716G>A (NM_001024843.2); short protein forms S220N.
Identifiers: ClinVar variation 1334512 (VCV001334512.4), dbSNP rs2146498341, ClinGen allele CA411627403.
Genomic context (GRCh38, chr22:40,264,889, plus strand): 5'-GGCCTTGTATTGCCAGCAAAGACACTGAATCTTCTTCCGAAAACACCACCGATAACAACA[G>A]TGCCTCGAACCCTGGCTCTGAGAAGAGCACTCTGCCAGGAAGCACCACTAGTAACAAAGG-3'
Protein context (NP_001155973.1, residues 210-230): SSSENTTDNN[Ser220Asn]ASNPGSEKST